The following is an entry in ClinVar:

NC_000001.10:g.(?_237205702)_(237519285_?)dup

Genes: RYR2 (ryanodine receptor 2; plus strand), LOC126806066 (MED14-independent group 3 enhancer GRCh37_chr1:237451188-237452387; plus strand). Cytogenetic location: 1q43.
Variant type: Duplication.
Identifiers: ClinVar variation 417329 (VCV000417329.2).

ClinVar aggregate classification (germline): Uncertain significance (1 of 4 stars; one submission).

Conditions:
Catecholaminergic polymorphic ventricular tachycardia (CVPT). Also called: Catecholamine-induced polymorphic ventricular tachycardia. Identifiers: Orphanet 3286, MedGen C5574922, MONDO:0017990.

Submission:

Labcorp Genetics (formerly Invitae), Labcorp
Classification: Uncertain significance for Catecholaminergic polymorphic ventricular tachycardia 1. Last evaluated: 2016-09-22. Review status: criteria provided, single submitter. Criteria: Invitae Variant Classification Sherloc (09022015). Collection method: clinical testing. Allele origin: germline.
Comment: This variant is a gross duplication of the genomic region encompassing exons 1-4 of the RYR2 gene. While the exact position of the duplicated exons cannot be determined from this data, the duplicated copy of this region is likely in tandem and in-frame, therefore preserving the integrity of the reading frame. This duplication is not present in population databases and has not been reported in the literature in individuals with a RYR2-related disease. The exact position of the duplicated exons cannot be determined from this data, and the effect of this sequence change is unknown. Therefore, it has been classified as a Variant of Uncertain Significance.